The following is an entry in ClinVar:

ClinVar aggregate classification (germline): Uncertain significance. Review status: criteria provided, multiple submitters, no conflicts (2 of 4 stars). 2 submissions from 2 submitters: Uncertain significance (2). Last evaluated 2023-05-06.

Allele frequency attached by ClinVar (database versions not stated): gnomAD exomes below 0.00001; gnomAD 0.00001; 1000 Genomes Project 30x 0.00016; 1000 Genomes Project 0.00020.
gnomAD v4.1: 2 of 1,613,902 alleles (0.00012%); highest among the groups gnomAD compares: East Asian, 0.0045%; no homozygotes.

Submissions (2):

Labcorp Genetics (formerly Invitae), Labcorp
Classification: Uncertain significance. Last evaluated: 2023-05-06. Review status: criteria provided, single submitter. Criteria: Invitae Variant Classification Sherloc (09022015). Collection method: clinical testing. Allele origin: germline.
Comment: This sequence change replaces proline, which is neutral and non-polar, with threonine, which is neutral and polar, at codon 191 of the FLNB protein (p.Pro191Thr). This variant is present in population databases (rs529273616, gnomAD 0.01%). This variant has not been reported in the literature in individuals affected with FLNB-related conditions. ClinVar contains an entry for this variant (Variation ID: 1723673). Advanced modeling of protein sequence and biophysical properties (such as structural, functional, and spatial information, amino acid conservation, physicochemical variation, residue mobility, and thermodynamic stability) performed at Invitae indicates that this missense variant is not expected to disrupt FLNB protein function. In summary, the available evidence is currently insufficient to determine the role of this variant in disease. Therefore, it has been classified as a Variant of Uncertain Significance.

GeneDx
Classification: Uncertain significance. Last evaluated: 2022-04-29. Review status: criteria provided, single submitter. Criteria: GeneDx Variant Classification Process June 2021. Collection method: clinical testing. Allele origin: germline. Affected: yes.
Comment: In silico analysis supports that this missense variant has a deleterious effect on protein structure/function; Has not been previously published as pathogenic or benign to our knowledge

NM_001457.4(FLNB):c.571C>A (p.Pro191Thr)

Gene: FLNB (filamin B; plus strand). Cytogenetic location: 3p14.3.
Variant type: single nucleotide variant.
Coding change: c.571C>A on transcript NM_001457.4 (MANE Select); coding-DNA position 571, C replaced by A.
Protein change: p.Pro191Thr; replaces proline 191 with threonine.
Molecular consequence: missense variant.
Genome position (GRCh38, 1-based): chr3:58,078,746, C>A. VCF-style: chr3-58078746-C-A. GRCh37 (hg19) VCF-style: chr3-58064473-C-A.
Other names: c.571C>A, p.Pro191Thr (NM_001164317.2, NM_001164318.2, NM_001164319.2); short protein forms P191T.
Identifiers: ClinVar variation 1723673 (VCV001723673.5), dbSNP rs529273616, ClinGen allele CA75428441.